The following is an entry in ClinVar:

ClinVar aggregate classification (germline): Benign/Likely benign. Review status: criteria provided, multiple submitters, no conflicts (2 of 4 stars). 8 submissions from 8 submitters: Benign (2); Likely benign (6). Last evaluated 2025-10-17.

Conditions:
Tuberous sclerosis syndrome (TSC). Also called: Tuberous Sclerosis Complex; Tuberous sclerosis. Identifiers: Orphanet 805, MedGen C0041341, MONDO:0001734.
Tuberous sclerosis 1 (TSC1). Identifiers: Orphanet 805, MedGen C1854465, MONDO:0008612, OMIM 191100.
Isolated focal cortical dysplasia type II (FCORD2). Also called: CORTICAL DYSPLASIA OF TAYLOR; Focal cortical dysplasia type II. Identifiers: Orphanet 268994, MedGen C1846385, MONDO:0011818, OMIM 607341, HP:0032051.
Lymphangiomyomatosis (LAM). Also called: Lymphangioleiomyomatosis; Lymphangioleiomyomatosis, somatic. Identifiers: Orphanet 538, MedGen C0751674, MONDO:0011705, OMIM 606690.
Hereditary cancer-predisposing syndrome. Also called: Hereditary neoplastic syndrome; Neoplastic Syndromes, Hereditary; Tumor predisposition; Hereditary Cancer Syndrome. Identifiers: Orphanet 140162, MedGen C0027672, MeSH D009386, MONDO:0015356.

Allele frequency attached by ClinVar (database versions not stated): ExAC 0.00003; gnomAD exomes 0.00001 and 0.00002; TOPMed 0.00001; gnomAD 0.00002.
gnomAD v4.1: 24 of 1,613,846 alleles (0.0015%); highest among the groups gnomAD compares: Middle Eastern, 0.033%; no homozygotes.

Submissions (8):

Labcorp Genetics (formerly Invitae), Labcorp
Classification: Likely benign for Tuberous sclerosis 1. Last evaluated: 2025-10-17. Review status: criteria provided, single submitter. Criteria: Invitae Variant Classification Sherloc (09022015). Collection method: clinical testing. Allele origin: germline.

Myriad Genetics, Inc.
Classification: Benign for Tuberous sclerosis 1. Last evaluated: 2025-04-29. Review status: criteria provided, single submitter. Criteria: Myriad Autosomal Dominant, Autosomal Recessive and X-Linked Classification Criteria (2023). Collection method: clinical testing. Allele origin: unknown.
Comment: This variant is considered benign. This variant is a silent/synonymous amino acid change and it is not expected to impact splicing.

All of Us Research Program, National Institutes of Health
Classification: Likely benign for Tuberous sclerosis syndrome. Last evaluated: 2023-10-27. Review status: criteria provided, single submitter. Criteria: ACMG Guidelines, 2015. Collection method: clinical testing. Allele origin: germline. Inheritance: Autosomal dominant inheritance. Observed: 2 variant alleles, 2 heterozygotes.
Comment: This study involves interpretation of variants in research participants for the purpose of population health screening. Participant phenotype was not available at the time of variant classification. Additional details can be found in publication PMID: 35346344, PMCID: PMC8962531

KCCC/NGS Laboratory, Kuwait Cancer Control Center
Classification: Likely benign for Tuberous sclerosis 1. Last evaluated: 2023-07-07. Review status: criteria provided, single submitter. Criteria: ACMG Guidelines, 2015. Collection method: clinical testing. Allele origin: germline. Affected: yes.

Sema4
Classification: Likely benign for Hereditary cancer-predisposing syndrome. Last evaluated: 2021-12-26. Review status: criteria provided, single submitter. Criteria: Sema4 Curation Guidelines. Collection method: curation. Allele origin: germline.

Genome-Nilou Lab
Classification: Benign for Tuberous sclerosis 1. Last evaluated: 2021-11-07. Review status: criteria provided, single submitter. Criteria: ACMG Guidelines, 2015. Collection method: clinical testing. Allele origin: germline. Affected: no.

Fulgent Genetics
Classification: Likely benign for Tuberous sclerosis 1; Lymphangiomyomatosis; Isolated focal cortical dysplasia type II. Last evaluated: 2021-09-03. Review status: criteria provided, single submitter. Criteria: ACMG Guidelines, 2015. Collection method: clinical testing. Allele origin: unknown.

Ambry Genetics
Classification: Likely benign for Hereditary cancer-predisposing syndrome. Last evaluated: 2018-12-11. Review status: criteria provided, single submitter. Criteria: Ambry Variant Classification Scheme 2023. Collection method: clinical testing. Allele origin: germline.

NM_000368.5(TSC1):c.3075C>T (p.Ser1025=)

Gene: TSC1 (TSC complex subunit 1; minus strand). Cytogenetic location: 9q34.13.
Variant type: single nucleotide variant.
Coding change: c.3075C>T on transcript NM_000368.5 (MANE Select); coding-DNA position 3075, C replaced by T.
Protein change: p.Ser1025=; no amino-acid change (serine 1025 retained).
Molecular consequence: synonymous variant.
Genome position (GRCh38, 1-based): chr9:132,896,655, G>A on the plus strand (C>T on the coding strand, the complement: TSC1 is on the minus strand). VCF-style: chr9-132896655-G-A. GRCh37 (hg19) VCF-style: chr9-135772042-G-A.
Other names: c.3072C>T, p.Ser1024= (NM_001162426.2); c.2922C>T, p.Ser974= (NM_001162427.2); c.2712C>T, p.Ser904= (NM_001362177.2).
Identifiers: ClinVar variation 466117 (VCV000466117.22), dbSNP rs765753157, ClinGen allele CA035740.